The following is an entry in ClinVar:

ClinVar aggregate classification (germline): Uncertain significance (1 of 4 stars; one submission).

Allele frequency attached by ClinVar (database versions not stated): gnomAD 0.00001; TOPMed 0.00001.

Submission:

Labcorp Genetics (formerly Invitae), Labcorp
Classification: Uncertain significance. Last evaluated: 2022-06-13. Review status: criteria provided, single submitter. Criteria: Invitae Variant Classification Sherloc (09022015). Collection method: clinical testing. Allele origin: germline.
Comment: In summary, the available evidence is currently insufficient to determine the role of this variant in disease. Therefore, it has been classified as a Variant of Uncertain Significance. Advanced modeling of protein sequence and biophysical properties (such as structural, functional, and spatial information, amino acid conservation, physicochemical variation, residue mobility, and thermodynamic stability) performed at Invitae indicates that this missense variant is not expected to disrupt KMT2A protein function. This variant has not been reported in the literature in individuals affected with KMT2A-related conditions. This variant is not present in population databases (gnomAD no frequency). This sequence change replaces glycine, which is neutral and non-polar, with serine, which is neutral and polar, at codon 20 of the KMT2A protein (p.Gly20Ser).

NM_001197104.2(KMT2A):c.58G>A (p.Gly20Ser)

Gene: KMT2A (lysine methyltransferase 2A; plus strand). Cytogenetic location: 11q23.3.
Variant type: single nucleotide variant.
Coding change: c.58G>A on transcript NM_001197104.2 (MANE Select); coding-DNA position 58, G replaced by A.
Protein change: p.Gly20Ser; replaces glycine 20 with serine.
Molecular consequence: missense variant.
Genome position (GRCh38, 1-based): chr11:118,436,570, G>A. VCF-style: chr11-118436570-G-A. GRCh37 (hg19) VCF-style: chr11-118307285-G-A.
Other names: c.58G>A, p.Gly20Ser (NM_005933.4); short protein forms G20S.
Identifiers: ClinVar variation 1415052 (VCV001415052.6), dbSNP rs1305215954, ClinGen allele CA382796940.
Genomic context (GRCh38, chr11:118,436,570, plus strand): 5'-AACATGGCGCACAGCTGTCGGTGGCGCTTCCCCGCCCGACCCGGGACCACCGGGGGCGGC[G>A]GCGGCGGGGGGCGCCGGGGCCTAGGGGGCGCCCCGCGGCAACGCGTCCCGGCCCTGCTGC-3'
Protein context (NP_001184033.1, residues 10-30): PARPGTTGGG[Gly20Ser]GGGRRGLGGA